The following is an entry in ClinVar:

ClinVar aggregate classification (germline): Uncertain significance (1 of 4 stars; one submission).

Conditions:
Aortic aneurysm, familial thoracic 6 (AAT6). Also called: FAMILIAL THORACIC AORTIC ANEURYSM WITH LIVEDO RETICULARIS AND IRIS FLOCCULI. Identifiers: MedGen C2673186, MONDO:0012730, OMIM 611788.

Submission:

Labcorp Genetics (formerly Invitae), Labcorp
Classification: Uncertain significance for Aortic aneurysm, familial thoracic 6. Last evaluated: 2024-08-13. Review status: criteria provided, single submitter. Criteria: Invitae Variant Classification Sherloc (09022015). Collection method: clinical testing. Allele origin: germline.
Comment: This sequence change replaces lysine, which is basic and polar, with asparagine, which is neutral and polar, at codon 115 of the ACTA2 protein (p.Lys115Asn). This variant is not present in population databases (gnomAD no frequency). This missense change has been observed in individual(s) with clinical features of ACTA2-related conditions (Invitae). ClinVar contains an entry for this variant (Variation ID: 845590). Advanced modeling of protein sequence and biophysical properties (such as structural, functional, and spatial information, amino acid conservation, physicochemical variation, residue mobility, and thermodynamic stability) performed at Invitae indicates that this missense variant is not expected to disrupt ACTA2 protein function with a negative predictive value of 80%. In summary, the available evidence is currently insufficient to determine the role of this variant in disease. Therefore, it has been classified as a Variant of Uncertain Significance.

NM_001613.4(ACTA2):c.345G>C (p.Lys115Asn)

Gene: ACTA2 (actin alpha 2, smooth muscle; minus strand). Cytogenetic location: 10q23.31.
Variant type: single nucleotide variant.
Coding change: c.345G>C on transcript NM_001613.4 (MANE Select); coding-DNA position 345, G replaced by C.
Protein change: p.Lys115Asn; replaces lysine 115 with asparagine.
Molecular consequence: missense variant.
Genome position (GRCh38, 1-based): chr10:88,943,821, C>G on the plus strand (G>C on the coding strand, the complement: ACTA2 is on the minus strand). VCF-style: chr10-88943821-C-G. GRCh37 (hg19) VCF-style: chr10-90703578-C-G.
Other names: c.345G>C, p.Lys115Asn (NM_001141945.3, NM_001320855.2, NM_001406462.1 and 3 more transcripts); c.216G>C, p.Lys72Asn (NM_001406467.1, NM_001406468.1, NM_001406469.1); short protein forms K115N, K72N.
Identifiers: ClinVar variation 845590 (VCV000845590.11), dbSNP rs1845899710, ClinGen allele CA377512831.